The following is an entry in ClinVar:

NM_005188.4(CBL):c.1109_1111dup (p.Leu370_Tyr371insLeu)

Gene: CBL (Cbl proto-oncogene; plus strand). Cytogenetic location: 11q23.3.
Variant type: Duplication.
Coding change: c.1109_1111dup on transcript NM_005188.4 (MANE Select); coding-DNA positions 1109 to 1111, 3 bases duplicated (TAT; older notation c.1109_1111dupTAT).
Protein change: p.Leu370_Tyr371insLeu.
Molecular consequence: inframe insertion.
Genome position (GRCh38, 1-based): chr11:119,278,179-119,278,181, TAT duplicated; duplicating any 3 consecutive bases within chr11:119,278,177-119,278,181 gives the same sequence; the c. name uses the placement nearest the transcript's 3' end. VCF-style (leftmost placement, unchanged base first): chr11-119278176-A-AATT. GRCh37 (hg19) VCF-style: chr11-119148886-A-AATT.
Identifiers: ClinVar variation 1794421 (VCV001794421.2), dbSNP rs2496939296, ClinGen allele CA645576438.

ClinVar aggregate classification (germline): Likely pathogenic (1 of 4 stars; one submission).

Conditions:
Cardiovascular phenotype. Identifiers: MedGen CN230736.

Submission:

Ambry Genetics
Classification: Likely pathogenic for Cardiovascular phenotype. Last evaluated: 2021-06-10. Review status: criteria provided, single submitter. Criteria: Ambry Variant Classification Scheme 2023. Collection method: clinical testing. Allele origin: germline.
Comment: The c.1109_1111dupTAT variant (also known as p.L370dup), located in coding exon 8 of the CBL gene, results from an in-frame duplication of TAT at nucleotide positions 1109 to 1111. This results in the duplication of an extra leucine residue between codons 370 and 371. This variant has been determined to be the result of a de novo mutation or germline mosaicism in one family with an isolated case of RASopathy (Ambry internal data). Based on internal structural assessment, this alteration results in substantial destabilization of the LHR domain near the interface with E2 (Dou H et al. Nat Struct Mol Biol, 2012 Jan;19:184-92). This variant is considered to be rare based on population cohorts in the Genome Aggregation Database (gnomAD). In addition, this alteration is predicted to be deleterious by in silico analysis (Choi Y et al. PLoS ONE. 2012; 7(10):e46688). Based on the majority of available evidence to date, this variant is likely to be pathogenic.

Literature cited by the submitters: PubMed 22266821.